The following is an entry in ClinVar:

NM_014874.4(MFN2):c.1488C>A (p.Asp496Glu)

Gene: MFN2 (mitofusin 2; plus strand). Cytogenetic location: 1p36.22.
Variant type: single nucleotide variant.
Coding change: c.1488C>A on transcript NM_014874.4 (MANE Select); coding-DNA position 1488, C replaced by A.
Protein change: p.Asp496Glu; replaces aspartic acid 496 with glutamic acid.
Molecular consequence: missense variant.
Genome position (GRCh38, 1-based): chr1:12,004,920, C>A. VCF-style: chr1-12004920-C-A. GRCh37 (hg19) VCF-style: chr1-12064977-C-A.
Other names: c.1488C>A, p.Asp496Glu (NM_001127660.2); short protein forms D496E.
Identifiers: ClinVar variation 917367 (VCV000917367.3), dbSNP rs746806455, ClinGen allele CA599131.

ClinVar aggregate classification (germline): Uncertain significance. Review status: criteria provided, multiple submitters, no conflicts (2 of 4 stars). 2 submissions from 2 submitters: Uncertain significance (2). Last evaluated 2022-04-01.

Conditions:
Charcot-Marie-Tooth disease. Also called: Charcot-Marie-Tooth Hereditary Neuropathy; Charcot-Marie-Tooth Neuropathy. Identifiers: Orphanet 166, MedGen C0007959, MONDO:0015626.

Allele frequency attached by ClinVar (database versions not stated): TOPMed below 0.00001; ExAC 0.00001; gnomAD 0.00001.

Submissions (2):

GeneDx
Classification: Uncertain significance. Last evaluated: 2022-04-01. Review status: criteria provided, single submitter. Criteria: GeneDx Variant Classification Process June 2021. Collection method: clinical testing. Allele origin: germline. Affected: yes.
Comment: Reported in an individual with Charcot-Marie-Tooth disease, however, clinical and familial segregation information was not provided (Volodarsky et al., 2021); In silico analysis supports that this missense variant does not alter protein structure/function; Not observed at significant frequency in large population cohorts (gnomAD); This variant is associated with the following publications: (PMID: 32376792)

Molecular Genetics Laboratory, London Health Sciences Centre
Classification: Uncertain significance for Charcot-Marie-Tooth disease. Review status: criteria provided, single submitter. Criteria: ACMG Guidelines, 2015. Collection method: clinical testing. Allele origin: germline. Affected: yes.